The following is an entry in ClinVar:

ClinVar aggregate classification (germline): Pathogenic (1 of 4 stars; one submission).

Conditions:
Fraser syndrome 1 (FRASRS1). Also called: CRYPTOPHTHALMOS WITH OTHER MALFORMATIONS. Identifiers: Orphanet 2052, MedGen C4551480, MONDO:0054737, OMIM 219000.

Submission:

Women's Health and Genetics/Laboratory Corporation of America, LabCorp
Classification: Pathogenic for Fraser syndrome 1. Last evaluated: 2025-12-30. Review status: criteria provided, single submitter. Criteria: LabCorp Variant Classification Summary - May 2015. Collection method: clinical testing. Allele origin: germline.
Comment: Variant summary: FRAS1 c.5284_5285delTT (p.Leu1762LysfsX6) results in a premature termination codon, predicted to cause a truncation of the encoded protein or absence of the protein due to nonsense mediated decay, which are commonly known mechanisms for disease. The frequency data for this variant in gnomAD is considered unreliable, as metrics indicate poor data quality at this position. To our knowledge, no occurrence of c.5284_5285delTT in individuals affected with FRAS1-related conditions and no experimental evidence demonstrating its impact on protein function have been reported. No submitters have cited clinical-significance assessments for this variant to ClinVar. Based on the evidence outlined above, the variant was classified as pathogenic.

NM_025074.7(FRAS1):c.5284_5285del (p.Leu1762fs)

Gene: FRAS1 (Fraser extracellular matrix complex subunit 1; plus strand). Cytogenetic location: 4q21.21.
Variant type: Deletion.
Coding change: c.5284_5285del on transcript NM_025074.7 (MANE Select); coding-DNA positions 5284 to 5285, 2 bases deleted (TT; older notation c.5284_5285delTT).
Protein change: p.Leu1762fs; shifts the reading frame from leucine 1762.
Molecular consequence: frameshift variant.
Genome position (GRCh38, 1-based): chr4:78,438,636-78,438,637, TT deleted. VCF-style (leftmost placement, unchanged base first): chr4-78438635-CTT-C. GRCh37 (hg19) VCF-style: chr4-79359789-CTT-C.
Other names: c.5284_5285delTT (NM_025074.7); c.5284_5285del, p.Leu1762fs (NM_001166133.2); short protein forms L1762fs.
Identifiers: ClinVar variation 4688637 (VCV004688637.1).